The following is an entry in ClinVar:

ClinVar aggregate classification (germline): Uncertain significance (1 of 4 stars; one submission).

Allele frequency attached by ClinVar (database versions not stated): gnomAD 0.00002; TOPMed 0.00001; gnomAD exomes 0.00002; ExAC 0.00003.
gnomAD v4.1: 15 of 1,613,500 alleles (0.00093%); highest among the groups gnomAD compares: East Asian, 0.0045%; no homozygotes.

Submission:

Labcorp Genetics (formerly Invitae), Labcorp
Classification: Uncertain significance. Last evaluated: 2021-09-02. Review status: criteria provided, single submitter. Criteria: Invitae Variant Classification Sherloc (09022015). Collection method: clinical testing. Allele origin: germline.
Comment: This sequence change replaces arginine with glutamine at codon 552 of the OBSL1 protein (p.Arg552Gln). The arginine residue is moderately conserved and there is a small physicochemical difference between arginine and glutamine. This variant is present in population databases (rs774886081, ExAC 0.01%). This variant has not been reported in the literature in individuals affected with OBSL1-related conditions. Algorithms developed to predict the effect of missense changes on protein structure and function are either unavailable or do not agree on the potential impact of this missense change (SIFT: "Deleterious"; PolyPhen-2: "Possibly Damaging"; Align-GVGD: "Class C0"). Algorithms developed to predict the effect of sequence changes on RNA splicing suggest that this variant may create or strengthen a splice site. In summary, the available evidence is currently insufficient to determine the role of this variant in disease. Therefore, it has been classified as a Variant of Uncertain Significance.

NM_015311.3(OBSL1):c.1655G>A (p.Arg552Gln)

Gene: OBSL1 (obscurin like cytoskeletal adaptor 1; minus strand). Cytogenetic location: 2q35.
Variant type: single nucleotide variant.
Coding change: c.1655G>A on transcript NM_015311.3 (MANE Select); coding-DNA position 1655, G replaced by A.
Protein change: p.Arg552Gln; replaces arginine 552 with glutamine.
Molecular consequence: missense variant.
Genome position (GRCh38, 1-based): chr2:219,567,455, C>T on the plus strand (G>A on the coding strand, the complement: OBSL1 is on the minus strand). VCF-style: chr2-219567455-C-T. GRCh37 (hg19) VCF-style: chr2-220432177-C-T.
Other names: c.1655G>A, p.Arg552Gln (NM_001173408.2, NM_001173431.2); short protein forms R552Q.
Identifiers: ClinVar variation 1022453 (VCV001022453.6), dbSNP rs774886081, ClinGen allele CA2131469.